The following is an entry in ClinVar:

ClinVar aggregate classification (germline): Uncertain significance (1 of 4 stars; one submission).

Conditions:
Combined oxidative phosphorylation defect type 17. Also called: Combined oxidative phosphorylation deficiency 17. Identifiers: Orphanet 369913, MedGen C3809526, MONDO:0014190, OMIM 615440.

Submission:

Labcorp Genetics (formerly Invitae), Labcorp
Classification: Uncertain significance for Combined oxidative phosphorylation defect type 17. Last evaluated: 2022-01-06. Review status: criteria provided, single submitter. Criteria: Invitae Variant Classification Sherloc (09022015). Collection method: clinical testing. Allele origin: germline.
Comment: This variant is not present in population databases (gnomAD no frequency). This sequence change replaces glycine, which is neutral and non-polar, with valine, which is neutral and non-polar, at codon 517 of the ELAC2 protein (p.Gly517Val). This variant has not been reported in the literature in individuals affected with ELAC2-related conditions. Algorithms developed to predict the effect of missense changes on protein structure and function (SIFT, PolyPhen-2, Align-GVGD) all suggest that this variant is likely to be disruptive. In summary, the available evidence is currently insufficient to determine the role of this variant in disease. Therefore, it has been classified as a Variant of Uncertain Significance.

NM_018127.7(ELAC2):c.1550G>T (p.Gly517Val)

Gene: ELAC2 (elaC ribonuclease Z 2; minus strand). Cytogenetic location: 17p12.
Variant type: single nucleotide variant.
Coding change: c.1550G>T on transcript NM_018127.7 (MANE Select); coding-DNA position 1550, G replaced by T.
Protein change: p.Gly517Val; replaces glycine 517 with valine.
Molecular consequence: missense variant.
Genome position (GRCh38, 1-based): chr17:12,996,656, C>A on the plus strand (G>T on the coding strand, the complement: ELAC2 is on the minus strand). VCF-style: chr17-12996656-C-A. GRCh37 (hg19) VCF-style: chr17-12899973-C-A.
Other names: c.1430G>T, p.Gly477Val (NM_001165962.2); c.1547G>T, p.Gly516Val (NM_173717.2); short protein forms G516V, G517V, G477V.
Identifiers: ClinVar variation 2076276 (VCV002076276.4), dbSNP rs2508241490, ClinGen allele CA398224108.